The following is an entry in ClinVar:

ClinVar aggregate classification (germline): Benign. Review status: criteria provided, multiple submitters, no conflicts (2 of 4 stars). 2 submissions from 2 submitters: Benign (2). Last evaluated 2018-01-12.

Conditions:
Occult macular dystrophy (OCMD). Also called: OMD; OCCULT MACULAR DYSTROPHY, SUSCEPTIBILITY TO. Identifiers: Orphanet 247834, MedGen C3150833, MONDO:0013316, OMIM 613587, HP:0030636.

Allele frequency attached by ClinVar (database versions not stated): gnomAD exomes 0.00386; ExAC 0.00608; ESP Exome Variant Server 0.00779; gnomAD 0.01038 and 0.01105; 1000 Genomes Project 0.01078; TOPMed 0.01120; 1000 Genomes Project 30x 0.01140.

Submissions (2):

Illumina Laboratory Services, Illumina
Classification: Benign for Occult macular dystrophy. Last evaluated: 2018-01-12. Review status: criteria provided, single submitter. Criteria: ICSL Variant Classification Criteria 13 December 2019. Collection method: clinical testing. Allele origin: germline.
Comment: This variant was observed in the ICSL laboratory as part of a predisposition screen in an ostensibly healthy population. It had not been previously curated by ICSL or reported in the Human Gene Mutation Database (HGMD: prior to June 1st, 2018), and was therefore a candidate for classification through an automated scoring system. Utilizing variant allele frequency, disease prevalence and penetrance estimates, and inheritance mode, an automated score was calculated to assess if this variant is too frequent to cause the disease. Based on the score and internal cut-off values, a variant classified as benign is not then subjected to further curation. The score for this variant resulted in a classification of benign for this disease.

Breakthrough Genomics
Classification: Benign. Review status: criteria provided, single submitter. Criteria: ACMG Guidelines, 2015. Collection method: not provided. Allele origin: germline. Inheritance: Autosomal recessive inheritance. Affected: yes.

NM_178857.6(RP1L1):c.2620G>A (p.Gly874Ser)

Gene: RP1L1 (RP1 like 1). Cytogenetic location: 8p23.1.
Variant type: single nucleotide variant.
Coding change: c.2620G>A on transcript NM_178857.6 (MANE Select); coding-DNA position 2620, G replaced by A.
Protein change: p.Gly874Ser; replaces glycine 874 with serine.
Molecular consequence: missense variant.
Genome position (GRCh38, 1-based): chr8:10,611,478, C>T on the plus strand (G>A on the coding strand, the complement: RP1L1 is on the minus strand). VCF-style: chr8-10611478-C-T. GRCh37 (hg19) VCF-style: chr8-10468988-C-T.
Other names: short protein forms G874S.
Identifiers: ClinVar variation 361339 (VCV000361339.6), dbSNP rs12114682, ClinGen allele CA4624766.